The following is an entry in ClinVar:

NM_001082486.2(ACD):c.631C>T (p.Arg211Ter)

Gene: ACD (ACD shelterin complex subunit and telomerase recruitment factor; minus strand). Cytogenetic location: 16q22.1.
Variant type: single nucleotide variant.
Coding change: c.631C>T on transcript NM_001082486.2 (MANE Select); coding-DNA position 631, C replaced by T.
Protein change: p.Arg211Ter; replaces arginine 211 with a stop codon.
Molecular consequence: nonsense.
Genome position (GRCh38, 1-based): chr16:67,658,942, G>A on the plus strand (C>T on the coding strand, the complement: ACD is on the minus strand). VCF-style: chr16-67658942-G-A. GRCh37 (hg19) VCF-style: chr16-67692845-G-A.
Other names: c.622C>T, p.Arg208Ter (NM_022914.3); c.889C>T (NM_001082486.1); short protein forms R211*, R208*.
Identifiers: ClinVar variation 1440000 (VCV001440000.8), dbSNP rs1339068886, ClinGen allele CA396353896.

ClinVar aggregate classification (germline): Uncertain significance. Review status: criteria provided, multiple submitters, no conflicts (2 of 4 stars). 3 submissions from 3 submitters: Uncertain significance (3). Last evaluated 2025-12-01.

Conditions:
Dyskeratosis congenita, autosomal dominant 6 (DKCA6). Identifiers: Orphanet 3322, MedGen C4225284, MONDO:0014690, OMIM 616553.

Allele frequency attached by ClinVar (database versions not stated): gnomAD exomes below 0.00001 and 0.00002; gnomAD 0.00001.

Submissions (3):

Labcorp Genetics (formerly Invitae), Labcorp
Classification: Uncertain significance for Dyskeratosis congenita, autosomal dominant 6. Last evaluated: 2025-12-01. Review status: criteria provided, single submitter. Criteria: Invitae Variant Classification Sherloc (09022015). Collection method: clinical testing. Allele origin: germline.
Comment: This sequence change creates a premature translational stop signal (p.Arg297*) in the ACD gene. It is expected to result in an absent or disrupted protein product. However, the current clinical and genetic evidence is not sufficient to establish whether loss-of-function variants in ACD cause disease. The frequency data for this variant in the population databases is considered unreliable, as metrics indicate poor data quality at this position in the gnomAD database. This variant has not been reported in the literature in individuals affected with ACD-related conditions. ClinVar contains an entry for this variant (Variation ID: 1440000). Algorithms developed to predict the effect of sequence changes on RNA splicing suggest that this variant may disrupt the consensus splice site. In summary, the available evidence is currently insufficient to determine the role of this variant in disease. Therefore, it has been classified as a Variant of Uncertain Significance.

Blueprint Genetics
Classification: Uncertain significance. Last evaluated: 2022-06-23. Review status: criteria provided, single submitter. Criteria: ACMG Guidelines, 2015. Collection method: clinical testing. Allele origin: germline.

GeneDx
Classification: Uncertain significance. Last evaluated: 2022-05-20. Review status: criteria provided, single submitter. Criteria: GeneDx Variant Classification Process June 2021. Collection method: clinical testing. Allele origin: germline. Affected: yes.
Comment: Nonsense variant predicted to result in protein truncation or nonsense mediated decay in a gene or region of a gene for which loss of function is not a well-established mechanism of disease; Has not been previously published as pathogenic or benign to our knowledge; Variants in candidate genes are classified as variants of uncertain significance in accordance with ACMG guidelines (Richards et al., 2015)